The following is an entry in ClinVar:

NM_004168.4(SDHA):c.194T>G (p.Val65Gly)

Gene: SDHA (succinate dehydrogenase complex flavoprotein subunit A; plus strand). Cytogenetic location: 5p15.33.
Variant type: single nucleotide variant.
Coding change: c.194T>G on transcript NM_004168.4 (MANE Select); coding-DNA position 194, T replaced by G.
Protein change: p.Val65Gly; replaces valine 65 with glycine.
Molecular consequence: missense variant.
Genome position (GRCh38, 1-based): chr5:224,403, T>G. VCF-style: chr5-224403-T-G. GRCh37 (hg19) VCF-style: chr5-224518-T-G.
Other names: c.194T>G, p.Val65Gly (NM_001294332.2, NM_001330758.2); short protein forms V65G.
Identifiers: ClinVar variation 4161202 (VCV004161202.3).

ClinVar aggregate classification (germline): Uncertain significance. Review status: criteria provided, multiple submitters, no conflicts (2 of 4 stars). 2 submissions from 2 submitters: Uncertain significance (2). Last evaluated 2026-02-09.

Conditions:
Hereditary cancer-predisposing syndrome. Also called: Hereditary neoplastic syndrome; Hereditary Cancer Syndrome; Neoplastic Syndromes, Hereditary; Tumor predisposition. Identifiers: Orphanet 140162, MedGen C0027672, MeSH D009386, MONDO:0015356.
Mitochondrial complex II deficiency, nuclear type 1. Also called: SUCCINATE CoQ REDUCTASE DEFICIENCY. Identifiers: Orphanet 3208, MedGen C5700310, MONDO:0100294, OMIM 252011.
Pheochromocytoma/paraganglioma syndrome 5. Also called: Paragangliomas 5; SDHA-Related Hereditary Paraganglioma-Pheochromocytoma Syndrome. Identifiers: Orphanet 29072, MedGen C3279992, MONDO:0013602, OMIM 614165.

Submissions (2):

Ambry Genetics
Classification: Uncertain significance for Hereditary cancer-predisposing syndrome. Last evaluated: 2026-02-09. Review status: criteria provided, single submitter. Criteria: Ambry Variant Classification Scheme 2023. Collection method: clinical testing. Allele origin: germline.
Comment: The p.V65G variant (also known as c.194T>G), located in coding exon 3 of the SDHA gene, results from a T to G substitution at nucleotide position 194. The valine at codon 65 is replaced by glycine, an amino acid with dissimilar properties. This amino acid position is conserved. In addition, this alteration is predicted to be deleterious by in silico analysis. Based on the available evidence, the clinical significance of this variant remains unclear.

Labcorp Genetics (formerly Invitae), Labcorp
Classification: Uncertain significance for Pheochromocytoma/paraganglioma syndrome 5; Mitochondrial complex II deficiency, nuclear type 1. Last evaluated: 2025-05-29. Review status: criteria provided, single submitter. Criteria: Invitae Variant Classification Sherloc (09022015). Collection method: clinical testing. Allele origin: germline.
Comment: This sequence change replaces valine, which is neutral and non-polar, with glycine, which is neutral and non-polar, at codon 65 of the SDHA protein (p.Val65Gly). This variant is not present in population databases (gnomAD no frequency). This variant has not been reported in the literature in individuals affected with SDHA-related conditions. Invitae Evidence Modeling of protein sequence and biophysical properties (such as structural, functional, and spatial information, amino acid conservation, physicochemical variation, residue mobility, and thermodynamic stability) has been performed for this missense variant. However, the output from this modeling did not meet the statistical confidence thresholds required to predict the impact of this variant on SDHA protein function. In summary, the available evidence is currently insufficient to determine the role of this variant in disease. Therefore, it has been classified as a Variant of Uncertain Significance.